The following is an entry in ClinVar:

ClinVar aggregate classification (germline): Uncertain significance. Review status: criteria provided, multiple submitters, no conflicts (2 of 4 stars). 2 submissions from 2 submitters: Uncertain significance (2). Last evaluated 2024-06-16.

Allele frequency attached by ClinVar (database versions not stated): gnomAD 0.00001; gnomAD exomes 0.00001; TOPMed 0.00002.
gnomAD v4.1: 11 of 1,210,185 alleles (0.00091%); highest among the groups gnomAD compares: East Asian, 0.0059%; no homozygotes.

Submissions (2):

Labcorp Genetics (formerly Invitae), Labcorp
Classification: Uncertain significance. Last evaluated: 2024-06-16. Review status: criteria provided, single submitter. Criteria: Invitae Variant Classification Sherloc (09022015). Collection method: clinical testing. Allele origin: germline.
Comment: This sequence change replaces glycine, which is neutral and non-polar, with arginine, which is basic and polar, at codon 66 of the DRP2 protein (p.Gly66Arg). This variant is present in population databases (no rsID available, gnomAD 0.008%). This variant has not been reported in the literature in individuals affected with DRP2-related conditions. ClinVar contains an entry for this variant (Variation ID: 2252297). Advanced modeling of protein sequence and biophysical properties (such as structural, functional, and spatial information, amino acid conservation, physicochemical variation, residue mobility, and thermodynamic stability) performed at Invitae indicates that this missense variant is not expected to disrupt DRP2 protein function with a negative predictive value of 80%. In summary, the available evidence is currently insufficient to determine the role of this variant in disease. Therefore, it has been classified as a Variant of Uncertain Significance.

Ambry Genetics
Classification: Uncertain significance. Last evaluated: 2021-09-27. Review status: criteria provided, single submitter. Criteria: Ambry Variant Classification Scheme 2023. Collection method: clinical testing. Allele origin: germline.

NM_001939.3(DRP2):c.196G>A (p.Gly66Arg)

Gene: DRP2 (dystrophin related protein 2; plus strand). Cytogenetic location: Xq22.1.
Variant type: single nucleotide variant.
Coding change: c.196G>A on transcript NM_001939.3 (MANE Select); coding-DNA position 196, G replaced by A.
Protein change: p.Gly66Arg; replaces glycine 66 with arginine.
Molecular consequence: missense variant. On other transcripts: 5 prime UTR variant (1).
Genome position (GRCh38, 1-based): chrX:101,235,938, G>A. VCF-style: chrX-101235938-G-A. GRCh37 (hg19) VCF-style: chrX-100490927-G-A.
Other names: c.-39G>A (NM_001171184.2); short protein forms G66R.
Identifiers: ClinVar variation 2252297 (VCV002252297.4), dbSNP rs1482911945, ClinGen allele CA413910578.